The following is an entry in ClinVar:

ClinVar aggregate classification (germline): Benign. Review status: criteria provided, single submitter (1 of 4 stars). 2 submissions from 2 submitters: Benign (1). 1 of the submissions does not count toward it. Last evaluated 2018-03-29.

Conditions:
AMBN-related disorder. Also called: AMBN-related condition.

Allele frequency attached by ClinVar (database versions not stated): gnomAD exomes 0.00020; ExAC 0.00026; 1000 Genomes Project 0.00060; 1000 Genomes Project 30x 0.00062; gnomAD 0.00064 and 0.00069; TOPMed 0.00071; ESP Exome Variant Server 0.00085.
gnomAD v4.1: 238 of 1,614,078 alleles (0.015%); highest among the groups gnomAD compares: African/African-American, 0.23%; 1 homozygote.

Submissions (2):

Labcorp Genetics (formerly Invitae), Labcorp
Classification: Benign. Last evaluated: 2018-03-29. Review status: criteria provided, single submitter. Criteria: Invitae Variant Classification Sherloc (09022015). Collection method: clinical testing. Allele origin: germline.

PreventionGenetics, part of Exact Sciences
Classification: Likely benign for AMBN-related condition. Last evaluated: 2019-11-16. Review status: no assertion criteria provided. Collection method: clinical testing. Allele origin: germline. Not counted in ClinVar's aggregate classification.
Comment: This variant is classified as likely benign based on ACMG/AMP sequence variant interpretation guidelines (Richards et al. 2015 PMID: 25741868, with internal and published modifications).

NM_016519.6(AMBN):c.1131C>T (p.Ser377=)

Gene: AMBN (ameloblastin; plus strand). Cytogenetic location: 4q13.3.
Variant type: single nucleotide variant.
Coding change: c.1131C>T on transcript NM_016519.6 (MANE Select); coding-DNA position 1131, C replaced by T.
Protein change: p.Ser377=; no amino-acid change (serine 377 retained).
Molecular consequence: synonymous variant.
Genome position (GRCh38, 1-based): chr4:70,606,517, C>T. VCF-style: chr4-70606517-C-T. GRCh37 (hg19) VCF-style: chr4-71472234-C-T.
Identifiers: ClinVar variation 736859 (VCV000736859.5), dbSNP rs116601725, ClinGen allele CA2951649.